The following is an entry in ClinVar:

NM_183050.4(BCKDHB):c.508C>G (p.Arg170Gly)

Gene: BCKDHB (branched chain keto acid dehydrogenase E1 subunit beta; plus strand). Cytogenetic location: 6q14.1.
Variant type: single nucleotide variant.
Coding change: c.508C>G on transcript NM_183050.4 (MANE Select); coding-DNA position 508, C replaced by G.
Protein change: p.Arg170Gly; replaces arginine 170 with glycine.
Molecular consequence: missense variant. On other transcripts: non-coding transcript variant (1).
Genome position (GRCh38, 1-based): chr6:80,168,905, C>G. VCF-style: chr6-80168905-C-G. GRCh37 (hg19) VCF-style: chr6-80878622-C-G.
Other names: c.508C>G (NM_183050.3); c.508C>G, p.Arg170Gly (NM_000056.5); c.298C>G, p.Arg100Gly (NM_001318975.1); short protein forms R170G, R100G.
Identifiers: ClinVar variation 96589 (VCV000096589.10), dbSNP rs398124581, ClinGen allele CA224298.

ClinVar aggregate classification (germline): Likely pathogenic. Review status: criteria provided, multiple submitters, no conflicts (2 of 4 stars). 4 submissions from 4 submitters: Likely pathogenic (4). Last evaluated 2025-08-30.

Conditions:
Maple syrup urine disease type 1A (MSUD1A). Also called: MSUD type 1A. Identifiers: MedGen C1855369, MONDO:0023691, OMIM 248600.
Maple syrup urine disease type 1B (MSUD1B). Also called: MSUD type IB; MSUD type 3 (formerly); MSUD due to deficiency of e1-beta subunit of branched-chain alpha-keto acid dehydrogenase complex. Identifiers: MedGen C2930990, MONDO:0023692, OMIM 620698.

Allele frequency attached by ClinVar (database versions not stated): TOPMed 0.00002; gnomAD 0.00001.
gnomAD v4.1: 60 of 1,614,000 alleles (0.0037%); highest among the groups gnomAD compares: Non-Finnish European, 0.0047%; no homozygotes.

Submissions (4):

Natera, Inc.
Classification: Likely pathogenic for Maple syrup urine disease type 1B. Last evaluated: 2025-08-30. Review status: criteria provided, single submitter. Criteria: Natera Variant Classification Schema (03/2026). Collection method: clinical testing. Allele origin: germline.
Comment: The c.508C>G variant in BCKDHB is a missense variant predicted to cause substitution of arginine to glycine at amino acid 170. This variant is rare in the general population with a frequency below the threshold expected for the associated phenotype(s). This variant has been observed in one or more individuals affected with the associated recessive disease, as either homozygous or compound heterozygous with a second variant (PMID: 37421976, 38837343). This variant has been identified in one or more affected individuals with a phenotype highly consistent with the associated gene (PMID: 37421976, 38837343). A different variant at the same position has been determined to be Pathogenic or Likely Pathogenic. Computational prediction algorithms indicate this variant is likely to affect gene or protein function. Given the available evidence, this variant is classified as Likely Pathogenic.

Baylor Genetics
Classification: Likely pathogenic for Maple syrup urine disease type 1A. Last evaluated: 2024-03-12. Review status: criteria provided, single submitter. Criteria: ACMG Guidelines, 2015. Collection method: clinical testing. Allele origin: unknown.

Fulgent Genetics
Classification: Likely pathogenic for Maple syrup urine disease type 1B. Last evaluated: 2024-03-04. Review status: criteria provided, single submitter. Criteria: ACMG Guidelines, 2015. Collection method: clinical testing. Allele origin: germline.

Eurofins Ntd Llc (ga)
Classification: Likely pathogenic. Last evaluated: 2013-06-24. Review status: criteria provided, single submitter. Criteria: EGL Classification Definitions. Collection method: clinical testing. Allele origin: germline. Observed: 6 variant alleles, 4 heterozygotes, 2 homozygotes.

Literature cited by the submitters: PubMed 37421976 (cited by Natera, Inc.); PubMed 38837343 (cited by Natera, Inc.).